The following is an entry in ClinVar:

ClinVar aggregate classification (germline): Uncertain significance (1 of 4 stars; one submission).

Submission:

GeneDx
Classification: Uncertain significance. Last evaluated: 2026-08-06. Review status: criteria provided, single submitter. Criteria: GeneDx Variant Classification Process June 2021. Collection method: clinical testing. Allele origin: germline.
Comment: Frameshift variant predicted to result in abnormal protein length as the last 35 amino acid(s) are replaced with 56 different amino acid(s); Not observed at significant frequency in large population cohorts (gnomAD); Has not been previously published as pathogenic or benign to our knowledge

NM_000209.4(PDX1):c.746del (p.Pro249fs)

Gene: PDX1 (pancreatic and duodenal homeobox 1; plus strand). Cytogenetic location: 13q12.2.
Variant type: Deletion.
Coding change: c.746del on transcript NM_000209.4 (MANE Select); coding-DNA position 746, one base deleted (C; older notation c.746delC).
Protein change: p.Pro249fs; shifts the reading frame from proline 249.
Molecular consequence: frameshift variant.
Genome position (GRCh38, 1-based): chr13:27,924,595, C deleted; the last of 2 consecutive C bases (chr13:27,924,594-27,924,595); deleting either gives the same sequence. VCF-style (leftmost placement, unchanged base first): chr13-27924593-GC-G. GRCh37 (hg19) VCF-style: chr13-28498730-GC-G.
Other names: short protein forms P249fs.
Identifiers: ClinVar variation 3777660 (VCV003777660.2).
Genomic context (GRCh38, chr13:27,924,593, plus strand): 5'-CGTGACCTCCGGCGAGGAGCTTCTGGCGCTGCCGCCGCCGCCGCCCCCCGGAGGTGCTGT[GC>G]CGCCCGCTGCCCCCGTTGCCGCCCGAGAGGGCCGCCTGCCGCCTGGCCTTAGCGCGTCGC-3'